The following is an entry in ClinVar:

ClinVar aggregate classification (germline): Benign (1 of 4 stars; one submission).

Conditions:
Frontotemporal dementia and/or amyotrophic lateral sclerosis 7 (FTDALS7). Also called: CHMP2B-Related Frontotemporal Dementia-Amyotrophic Lateral Sclerosis; CHMP2B-related frontotemporal dementia; AMYOTROPHIC LATERAL SCLEROSIS, CHMP2B-RELATED; Amyotrophic lateral sclerosis 17. Identifiers: Orphanet 275864, Orphanet 282, Orphanet 803, MedGen C1833296, MONDO:0010936, OMIM 600795.

Allele frequency attached by ClinVar (database versions not stated): 1000 Genomes Project 30x 0.01983; 1000 Genomes Project 0.02017; gnomAD 0.02710 and 0.02804; TOPMed 0.02759.

Submission:

Illumina Laboratory Services, Illumina
Classification: Benign for Frontotemporal dementia and/or amyotrophic lateral sclerosis 7. Last evaluated: 2018-01-13. Review status: criteria provided, single submitter. Criteria: ICSL Variant Classification Criteria 13 December 2019. Collection method: clinical testing. Allele origin: germline.
Comment: This variant was observed in the ICSL laboratory as part of a predisposition screen in an ostensibly healthy population. It had not been previously curated by ICSL or reported in the Human Gene Mutation Database (HGMD: prior to June 1st, 2018), and was therefore a candidate for classification through an automated scoring system. Utilizing variant allele frequency, disease prevalence and penetrance estimates, and inheritance mode, an automated score was calculated to assess if this variant is too frequent to cause the disease. Based on the score and internal cut-off values, a variant classified as benign is not then subjected to further curation. The score for this variant resulted in a classification of benign for this disease.

NM_014043.4(CHMP2B):c.*1190G>T

Gene: CHMP2B (charged multivesicular body protein 2B; plus strand). Cytogenetic location: 3p11.2.
Variant type: single nucleotide variant.
Coding change: c.*1190G>T on transcript NM_014043.4 (MANE Select); 1190 bases downstream of the stop codon, G replaced by T.
Molecular consequence: 3 prime UTR variant.
Genome position (GRCh38, 1-based): chr3:87,255,012, G>T. VCF-style: chr3-87255012-G-T. GRCh37 (hg19) VCF-style: chr3-87304162-G-T.
Other names: c.*1190G>T (NM_001244644.2).
Identifiers: ClinVar variation 346820 (VCV000346820.6), dbSNP rs115892684, ClinGen allele CA10619662.
Genomic context (GRCh38, chr3:87,255,012, plus strand): 5'-TAAGGTGAAATTGCCTTGGTATCTAATGAATGTGTAGACAGGGAGATAAAATGAAGGATT[G>T]CCAGACTAGTTAGAATAGAATTTAGGATTAGGTTAGTTTTGAAAAATGATGTTGTAATAT-3'